The following is an entry in ClinVar:

NM_000127.3(EXT1):c.490_491del (p.Asp164fs)

Gene: EXT1 (exostosin glycosyltransferase 1; minus strand). Cytogenetic location: 8q24.11.
Variant type: Microsatellite.
Coding change: c.490_491del on transcript NM_000127.3 (MANE Select); coding-DNA positions 490 to 491, 2 bases deleted (GA; older notation c.490_491delGA).
Protein change: p.Asp164fs; shifts the reading frame from aspartic acid 164.
Molecular consequence: frameshift variant.
Genome position (GRCh38, 1-based): chr8:118,110,556-118,110,557, TC deleted on the plus strand (GA on the coding strand, the reverse complement: EXT1 is on the minus strand); deleting any 2 consecutive bases within chr8:118,110,556-118,110,560 gives the same sequence; the c. name uses the placement nearest the transcript's 3' end. VCF-style (leftmost placement, unchanged base first): chr8-118110555-GTC-G. GRCh37 (hg19) VCF-style: chr8-119122794-GTC-G.
Other names: short protein forms D164fs.
Identifiers: ClinVar variation 850636 (VCV000850636.12), dbSNP rs1817879125, ClinGen allele CA916081528.
Genomic context (GRCh38, chr8:118,110,555, plus strand): 5'-CCACAAGTGGAGACTCTGCACTTTGGATCTCAAATTGTGCACATACTGAGGTGACAACTG[GTC>G]TCTGTCTAAAGTATCCAGACTCAGGACAAAGAGGCACGCCTGGCTGGGGTCCGAGGTGTA-3'

ClinVar aggregate classification (germline): Pathogenic. Review status: criteria provided, multiple submitters, no conflicts (2 of 4 stars). 4 submissions from 4 submitters: Pathogenic (4). Last evaluated 2026-07-01.

Conditions:
EXT1-related disorders.
Multiple congenital exostosis (EXT). Also called: MULTIPLE CARTILAGINOUS EXOSTOSES; Hereditary multiple osteochondromas; Multiple exostoses; Hereditary multiple exostoses; Hereditary multiple exostosis; Multiple osteochondromas. Identifiers: Orphanet 321, MedGen C0015306, MONDO:0005508, HP:0002762.

Submissions (4):

CeGaT Center for Human Genetics Tuebingen
Classification: Pathogenic. Last evaluated: 2026-07-01. Review status: criteria provided, single submitter. Criteria: CeGaT Center For Human Genetics Tuebingen Variant Classification Criteria Version 2. Collection method: clinical testing. Allele origin: germline. Affected: yes. Observed: 1 variant allele.
Comment: EXT1: PVS1, PM2, PS4:Supporting

Blueprint Genetics
Classification: Pathogenic for EXT1-related disorders. Last evaluated: 2024-11-25. Review status: criteria provided, single submitter. Criteria: ACMG Guidelines, 2015. Collection method: clinical testing. Allele origin: germline. Affected: yes. Observed: 1 variant allele.

GeneDx
Classification: Pathogenic. Last evaluated: 2022-12-18. Review status: criteria provided, single submitter. Criteria: GeneDx Variant Classification Process June 2021. Collection method: clinical testing. Allele origin: germline. Affected: yes.
Comment: Identified in an individual with clinical and radiographical diagnosis of multiple osteochondromas in the published literature (PMID: 17041877); Frameshift variant predicted to result in protein truncation or nonsense mediated decay in a gene for which loss of function is a known mechanism of disease; Not observed at significant frequency in large population cohorts (gnomAD); This variant is associated with the following publications: (PMID: 17041877)

Labcorp Genetics (formerly Invitae), Labcorp
Classification: Pathogenic for Multiple congenital exostosis. Last evaluated: 2019-01-28. Review status: criteria provided, single submitter. Criteria: Invitae Variant Classification Sherloc (09022015). Collection method: clinical testing. Allele origin: germline.
Comment: This variant has been observed in an individual affected with multiple osteochondromas (PMID: 17041877). Loss-of-function variants in EXT1 are known to be pathogenic (PMID: 10679937, 11391482, 19810120). For these reasons, this variant has been classified as Pathogenic. This variant is not present in population databases (ExAC no frequency). This sequence change creates a premature translational stop signal (p.Asp164Profs*24) in the EXT1 gene. It is expected to result in an absent or disrupted protein product.

Literature cited by the submitters: PubMed 17041877 (cited by Labcorp Genetics (formerly Invitae), Labcorp); PubMed 10679937 (cited by Labcorp Genetics (formerly Invitae), Labcorp); PubMed 11391482 (cited by Labcorp Genetics (formerly Invitae), Labcorp); PubMed 19810120 (cited by Labcorp Genetics (formerly Invitae), Labcorp).